The following is an entry in ClinVar:

NM_020297.4(ABCC9):c.419A>T (p.Tyr140Phe)

Gene: ABCC9 (ATP binding cassette subfamily C member 9; minus strand). Cytogenetic location: 12p12.1.
Variant type: single nucleotide variant.
Coding change: c.419A>T on transcript NM_020297.4 (MANE Select); coding-DNA position 419, A replaced by T.
Protein change: p.Tyr140Phe; replaces tyrosine 140 with phenylalanine.
Molecular consequence: missense variant. On other transcripts: intron variant (1).
Genome position (GRCh38, 1-based): chr12:21,917,091, T>A on the plus strand (A>T on the coding strand, the complement: ABCC9 is on the minus strand). VCF-style: chr12-21917091-T-A. GRCh37 (hg19) VCF-style: chr12-22070025-T-A.
Other names: c.419A>T, p.Tyr140Phe (NM_001377273.1, NM_005691.4); c.-48-4025A>T (NM_001377274.1); short protein forms Y140F.
Identifiers: ClinVar variation 2865172 (VCV002865172.3), dbSNP rs2541748928, ClinGen allele CA384125904.

ClinVar aggregate classification (germline): Uncertain significance (1 of 4 stars; one submission).

Conditions:
Dilated cardiomyopathy 1O (CMD1O). Also called: CARDIOMYOPATHY, DILATED, WITH VENTRICULAR TACHYCARDIA. Identifiers: Orphanet 154, MedGen C1837839, MONDO:0012062, OMIM 608569.

Submission:

Labcorp Genetics (formerly Invitae), Labcorp
Classification: Uncertain significance for Dilated cardiomyopathy 1O. Last evaluated: 2023-05-17. Review status: criteria provided, single submitter. Criteria: Invitae Variant Classification Sherloc (09022015). Collection method: clinical testing. Allele origin: germline.
Comment: This variant has not been reported in the literature in individuals affected with ABCC9-related conditions. This variant is not present in population databases (gnomAD no frequency). This sequence change replaces tyrosine, which is neutral and polar, with phenylalanine, which is neutral and non-polar, at codon 140 of the ABCC9 protein (p.Tyr140Phe). In summary, the available evidence is currently insufficient to determine the role of this variant in disease. Therefore, it has been classified as a Variant of Uncertain Significance. Advanced modeling of protein sequence and biophysical properties (such as structural, functional, and spatial information, amino acid conservation, physicochemical variation, residue mobility, and thermodynamic stability) performed at Invitae indicates that this missense variant is expected to disrupt ABCC9 protein function.